The following is an entry in ClinVar:

NM_003737.4(DCHS1):c.3857A>G (p.His1286Arg)

Gene: DCHS1 (dachsous cadherin-related 1; minus strand). Cytogenetic location: 11p15.4.
Variant type: single nucleotide variant.
Coding change: c.3857A>G on transcript NM_003737.4 (MANE Select); coding-DNA position 3857, A replaced by G.
Protein change: p.His1286Arg; replaces histidine 1286 with arginine.
Molecular consequence: missense variant.
Genome position (GRCh38, 1-based): chr11:6,631,126, T>C on the plus strand (A>G on the coding strand, the complement: DCHS1 is on the minus strand). VCF-style: chr11-6631126-T-C. GRCh37 (hg19) VCF-style: chr11-6652357-T-C.
Other names: short protein forms H1286R.
Identifiers: ClinVar variation 1721823 (VCV001721823.5), dbSNP rs2493826625, ClinGen allele CA379408546.
Genomic context (GRCh38, chr11:6,631,126, plus strand): 5'-TGGAGGCTGGCACTTCGAGGAGGGCTGCCTTGGTCATGAGCACTCAGTGTCAGCACATAG[T>C]GGGGCCGCTCTGCTCGGATCAGGGGAGCTGCAGTGAGCAGCTCCCCTGAGTGAGGGTGCA-3'
Protein context (NP_003728.1, residues 1276-1296): AAPLIRAERP[His1286Arg]YVLTLSAHDQ

ClinVar aggregate classification (germline): Uncertain significance (1 of 4 stars; one submission).

Allele frequency attached by ClinVar (database versions not stated): gnomAD exomes below 0.00001.

Submission:

Labcorp Genetics (formerly Invitae), Labcorp
Classification: Uncertain significance. Last evaluated: 2022-10-18. Review status: criteria provided, single submitter. Criteria: Invitae Variant Classification Sherloc (09022015). Collection method: clinical testing. Allele origin: germline.
Comment: In summary, the available evidence is currently insufficient to determine the role of this variant in disease. Therefore, it has been classified as a Variant of Uncertain Significance. Advanced modeling of protein sequence and biophysical properties (such as structural, functional, and spatial information, amino acid conservation, physicochemical variation, residue mobility, and thermodynamic stability) performed at Invitae indicates that this missense variant is not expected to disrupt DCHS1 protein function. This variant has not been reported in the literature in individuals affected with DCHS1-related conditions. This variant is not present in population databases (gnomAD no frequency). This sequence change replaces histidine, which is basic and polar, with arginine, which is basic and polar, at codon 1286 of the DCHS1 protein (p.His1286Arg).